The following is an entry in ClinVar:

ClinVar aggregate classification (germline): Conflicting classifications of pathogenicity. Review status: criteria provided, conflicting classifications (1 of 4 stars). 4 submissions from 3 submitters: Uncertain significance (3); Likely benign (1). Last evaluated 2023-03-01.

Conditions:
Dilated cardiomyopathy 1HH (CMD1HH). Identifiers: Orphanet 154, MedGen C3151293, MONDO:0013479, OMIM 613881.
Myofibrillar myopathy 6. Identifiers: Orphanet 199340, MedGen C2751831, MONDO:0013061, OMIM 612954.

Allele frequency attached by ClinVar (database versions not stated): 1000 Genomes Project 0.00040; 1000 Genomes Project 30x 0.00047; TOPMed 0.00224; gnomAD exomes 0.00338; gnomAD 0.00385.
gnomAD v4.1: 867 of 293,682 alleles (0.3%); highest among the groups gnomAD compares: Non-Finnish European, 0.48%; 1 homozygote.

Submissions (4):

CeGaT Center for Human Genetics Tuebingen
Classification: Likely benign. Last evaluated: 2023-03-01. Review status: criteria provided, single submitter. Criteria: CeGaT Center For Human Genetics Tuebingen Variant Classification Criteria Version 2. Collection method: clinical testing. Allele origin: germline. Affected: yes. Observed: 9 variant alleles.
Comment: BAG3: BS1

Illumina Laboratory Services, Illumina
Classification: Uncertain significance for Dilated cardiomyopathy 1HH. Last evaluated: 2018-01-13. Review status: criteria provided, single submitter. Criteria: ICSL Variant Classification Criteria 13 December 2019. Collection method: clinical testing. Allele origin: germline.

Illumina Laboratory Services, Illumina
Classification: Uncertain significance for Myofibrillar myopathy 6. Last evaluated: 2018-01-13. Review status: criteria provided, single submitter. Criteria: ICSL Variant Classification Criteria 13 December 2019. Collection method: clinical testing. Allele origin: germline.

Breakthrough Genomics
Classification: Uncertain significance. Review status: criteria provided, single submitter. Criteria: ACMG Guidelines, 2015. Collection method: not provided. Allele origin: germline. Inheritance: Autosomal dominant inheritance. Affected: yes.

NM_004281.4(BAG3):c.-294A>C

Gene: BAG3 (BAG cochaperone 3; plus strand). Cytogenetic location: 10q26.11.
Variant type: single nucleotide variant.
Coding change: c.-294A>C on transcript NM_004281.4 (MANE Select); 294 bases upstream of the start codon, A replaced by C.
Molecular consequence: 5 prime UTR variant.
Genome position (GRCh38, 1-based): chr10:119,651,382, A>C. VCF-style: chr10-119651382-A-C. GRCh37 (hg19) VCF-style: chr10-121410894-A-C.
Identifiers: ClinVar variation 298947 (VCV000298947.37), dbSNP rs544280047, ClinGen allele CA10634749.